The following is an entry in ClinVar:

NM_006514.4(SCN10A):c.5229G>A (p.Met1743Ile)

Gene: SCN10A (sodium voltage-gated channel alpha subunit 10; minus strand). Cytogenetic location: 3p22.2.
Variant type: single nucleotide variant.
Coding change: c.5229G>A on transcript NM_006514.4 (MANE Select); coding-DNA position 5229, G replaced by A.
Protein change: p.Met1743Ile; replaces methionine 1743 with isoleucine.
Molecular consequence: missense variant.
Genome position (GRCh38, 1-based): chr3:38,697,991, C>T on the plus strand (G>A on the coding strand, the complement: SCN10A is on the minus strand). VCF-style: chr3-38697991-C-T. GRCh37 (hg19) VCF-style: chr3-38739482-C-T.
Other names: c.5226G>A, p.Met1742Ile (NM_001293306.2); c.4935G>A, p.Met1645Ile (NM_001293307.2); short protein forms M1645I, M1742I, M1743I.
Identifiers: ClinVar variation 4713140 (VCV004713140.1).
Genomic context (GRCh38, chr3:38,697,991, plus strand): 5'-AGCAGAAAAGGTAATAAACTGAGTGGCCTCTGGGTCAAACTTCTCCCAGGTCTCATAGAA[C>T]ATGTCAAAGTCGTCCTCACTCAGGGGCTCAGTGCTCTCCTCCGTGGCCACATTGAAGTTC-3'
Protein context (NP_006505.4, residues 1733-1753): TEPLSEDDFD[Met1743Ile]FYETWEKFDP

ClinVar aggregate classification (germline): Uncertain significance (1 of 4 stars; one submission).

Conditions:
Brugada syndrome. Also called: Sudden unexplained nocturnal death syndrome; Sudden unexpected nocturnal death syndrome; Sudden Unexplained Death Syndrome; Sudden Unexplained Nocturnal Death Syndrome (SUNDS). Identifiers: Orphanet 130, MedGen C1142166, MONDO:0015263.

Submission:

Labcorp Genetics (formerly Invitae), Labcorp
Classification: Uncertain significance for Brugada syndrome. Last evaluated: 2025-10-29. Review status: criteria provided, single submitter. Criteria: Invitae Variant Classification Sherloc (09022015). Collection method: clinical testing. Allele origin: germline.
Comment: This sequence change replaces methionine, which is neutral and non-polar, with isoleucine, which is neutral and non-polar, at codon 1743 of the SCN10A protein (p.Met1743Ile). This variant is present in population databases (no rsID available, gnomAD 0.0009%). This variant has not been reported in the literature in individuals affected with SCN10A-related conditions. An algorithm developed to predict the effect of missense changes on protein structure and function (PolyPhen-2) suggests that this variant is likely to be tolerated. In summary, the available evidence is currently insufficient to determine the role of this variant in disease. Therefore, it has been classified as a Variant of Uncertain Significance.